The following is an entry in ClinVar:

NM_002591.4(PCK1):c.1140T>C (p.Gly380=)

Gene: PCK1 (phosphoenolpyruvate carboxykinase 1; plus strand). Cytogenetic location: 20q13.31.
Variant type: single nucleotide variant.
Coding change: c.1140T>C on transcript NM_002591.4 (MANE Select); coding-DNA position 1140, T replaced by C.
Protein change: p.Gly380=; no amino-acid change (glycine 380 retained).
Molecular consequence: synonymous variant.
Genome position (GRCh38, 1-based): chr20:57,564,347, T>C. VCF-style: chr20-57564347-T-C. GRCh37 (hg19) VCF-style: chr20-56139403-T-C.
Identifiers: ClinVar variation 338889 (VCV000338889.18), dbSNP rs2070756, ClinGen allele CA9922284.
Genomic context (GRCh38, chr20:57,564,347, plus strand): 5'-GGCCGAGACCAGCGACGGGGGCGTTTACTGGGAAGGCATTGATGAGCCGCTAGCTTCAGG[T>C]GTCACCATCACGTCCTGGAAGAATAAGGAGTGGAGCTCAGAGGATGGTGTGTCCCTGCCA-3'
Protein context (NP_002582.3, residues 370-390): WEGIDEPLAS[Gly380=]VTITSWKNKE

ClinVar aggregate classification (germline): Benign/Likely benign. Review status: criteria provided, multiple submitters, no conflicts (2 of 4 stars). 8 submissions from 8 submitters: Benign (6); Likely benign (1). 1 of the submissions does not count toward it. Last evaluated 2026-02-04.

Conditions:
Phosphoenolpyruvate carboxykinase deficiency, cytosolic (PCKDC). Also called: PCK1 DEFICIENCY, CYTOSOLIC; PEPCK DEFICIENCY, CYTOSOLIC. Identifiers: Orphanet 2880, MedGen C5574905, MONDO:0009866, OMIM 261680.

Allele frequency attached by ClinVar (database versions not stated): gnomAD exomes 0.74495 and 0.74814; ExAC 0.75474; 1000 Genomes Project 0.78694; gnomAD 0.79283 and 0.79829; 1000 Genomes Project 30x 0.79419; TOPMed 0.79624; ESP Exome Variant Server 0.80225.
gnomAD v4.1: 1,209,624 of 1,613,712 alleles (75%); highest among the groups gnomAD compares: African/African-American, 93%; 455,064 homozygotes.

Submissions (8):

Labcorp Genetics (formerly Invitae), Labcorp
Classification: Benign. Last evaluated: 2026-02-04. Review status: criteria provided, single submitter. Criteria: Invitae Variant Classification Sherloc (09022015). Collection method: clinical testing. Allele origin: germline.

Blueprint Genetics
Classification: Likely benign. Last evaluated: 2024-11-28. Review status: criteria provided, single submitter. Criteria: ACMG Guidelines, 2015. Collection method: clinical testing. Allele origin: germline.

Genome-Nilou Lab
Classification: Benign for Phosphoenolpyruvate carboxykinase deficiency, cytosolic. Last evaluated: 2021-09-05. Review status: criteria provided, single submitter. Criteria: ACMG Guidelines, 2015. Collection method: clinical testing. Allele origin: germline. Affected: no.

GeneDx
Classification: Benign. Last evaluated: 2019-07-09. Review status: criteria provided, single submitter. Criteria: GeneDx Variant Classification Process June 2021. Collection method: clinical testing. Allele origin: germline. Affected: yes.

Illumina Laboratory Services, Illumina
Classification: Benign for Phosphoenolpyruvate carboxykinase deficiency, cytosolic. Last evaluated: 2018-01-13. Review status: criteria provided, single submitter. Criteria: ICSL Variant Classification Criteria 13 December 2019. Collection method: clinical testing. Allele origin: germline.
Comment: This variant was observed in the ICSL laboratory as part of a predisposition screen in an ostensibly healthy population. It had not been previously curated by ICSL or reported in the Human Gene Mutation Database (HGMD: prior to June 1st, 2018), and was therefore a candidate for classification through an automated scoring system. Utilizing variant allele frequency, disease prevalence and penetrance estimates, and inheritance mode, an automated score was calculated to assess if this variant is too frequent to cause the disease. Based on the score and internal cut-off values, a variant classified as benign is not then subjected to further curation. The score for this variant resulted in a classification of benign for this disease.

Genome Diagnostics Laboratory, University Medical Center Utrecht
Classification: Benign for Phosphoenolpyruvate carboxykinase deficiency, cytosolic. Last evaluated: 2017-07-28. Review status: criteria provided, single submitter. Criteria: ACGS Guidelines, 2013. Collection method: clinical testing. Allele origin: germline. Affected: yes. Study: VKGL Data-share Consensus.

Breakthrough Genomics
Classification: Benign. Review status: criteria provided, single submitter. Criteria: ACMG Guidelines, 2015. Collection method: not provided. Allele origin: germline. Inheritance: Autosomal recessive inheritance. Affected: yes.

Diagnostic Laboratory, Department of Genetics, University Medical Center Groningen
Classification: Benign for Phosphoenolpyruvate carboxykinase deficiency, cytosolic. Review status: no assertion criteria provided. Collection method: clinical testing. Allele origin: germline. Affected: yes. Study: VKGL Data-share Consensus. Not counted in ClinVar's aggregate classification.